The following is an entry in ClinVar:

NM_001035.3(RYR2):c.8884T>C (p.Phe2962Leu)

Gene: RYR2 (ryanodine receptor 2; plus strand). Cytogenetic location: 1q43.
Variant type: single nucleotide variant.
Coding change: c.8884T>C on transcript NM_001035.3 (MANE Select); coding-DNA position 8884, T replaced by C.
Protein change: p.Phe2962Leu; replaces phenylalanine 2962 with leucine.
Molecular consequence: missense variant.
Genome position (GRCh38, 1-based): chr1:237,678,101, T>C. VCF-style: chr1-237678101-T-C. GRCh37 (hg19) VCF-style: chr1-237841401-T-C.
Other names: short protein forms F2962L.
Identifiers: ClinVar variation 3073035 (VCV003073035.1), dbSNP rs2547236956, ClinGen allele CA345403712.

ClinVar aggregate classification (germline): Uncertain significance (1 of 4 stars; one submission).

Conditions:
Catecholaminergic polymorphic ventricular tachycardia (CVPT). Also called: Catecholamine-induced polymorphic ventricular tachycardia. Identifiers: Orphanet 3286, MedGen C5574922, MONDO:0017990.

Submission:

All of Us Research Program, National Institutes of Health
Classification: Uncertain significance for Catecholaminergic polymorphic ventricular tachycardia. Last evaluated: 2023-11-30. Review status: criteria provided, single submitter. Criteria: ACMG Guidelines, 2015. Collection method: clinical testing. Allele origin: germline. Inheritance: Autosomal dominant inheritance. Observed: 1 variant allele, 1 heterozygote.
Comment: This study involves interpretation of variants in research participants for the purpose of population health screening. Participant phenotype was not available at the time of variant classification. Additional details can be found in publication PMID: 35346344, PMCID: PMC8962531